The following is an entry in ClinVar:

NM_001320.7(CSNK2B):c.251A>T (p.His84Leu)

Gene: CSNK2B (casein kinase 2 beta; plus strand). Cytogenetic location: 6p21.33.
Variant type: single nucleotide variant.
Coding change: c.251A>T on transcript NM_001320.7 (MANE Select); coding-DNA position 251, A replaced by T.
Protein change: p.His84Leu; replaces histidine 84 with leucine.
Molecular consequence: missense variant.
Genome position (GRCh38, 1-based): chr6:31,668,614, A>T. VCF-style: chr6-31668614-A-T. GRCh37 (hg19) VCF-style: chr6-31636391-A-T.
Other names: c.251A>T, p.His84Leu (NM_001282385.2); short protein forms H84L.
Identifiers: ClinVar variation 3384289 (VCV003384289.1).
Genomic context (GRCh38, chr6:31,668,614, plus strand): 5'-ACAACCCCAACCAGAGTGACCTGATTGAGCAGGCAGCCGAGATGCTTTATGGATTGATCC[A>T]CGCCCGCTACATCCTTACCAACCGTGGCATCGCCCAGATGGTGAGGCCTCTCTGCTCCTA-3'
Protein context (NP_001311.3, residues 74-94): QAAEMLYGLI[His84Leu]ARYILTNRGI

ClinVar aggregate classification (germline): Uncertain significance (1 of 4 stars; one submission).

Submission:

GeneDx
Classification: Uncertain significance. Last evaluated: 2024-06-06. Review status: criteria provided, single submitter. Criteria: GeneDx Variant Classification Process June 2021. Collection method: clinical testing. Allele origin: germline. Affected: yes.
Comment: Not observed at significant frequency in large population cohorts (gnomAD); In silico analysis supports that this missense variant has a deleterious effect on protein structure/function; Has not been previously published as pathogenic or benign to our knowledge